The following is an entry in ClinVar:

NM_000059.4(BRCA2):c.3751A>C (p.Thr1251Pro)

Gene: BRCA2 (BRCA2 DNA repair associated; plus strand). Cytogenetic location: 13q13.1.
Variant type: single nucleotide variant.
Coding change: c.3751A>C on transcript NM_000059.4 (MANE Select); coding-DNA position 3751, A replaced by C.
Protein change: p.Thr1251Pro; replaces threonine 1251 with proline.
Molecular consequence: missense variant. On other transcripts: non-coding transcript variant (1), intron variant (2).
Genome position (GRCh38, 1-based): chr13:32,338,106, A>C. VCF-style: chr13-32338106-A-C. GRCh37 (hg19) VCF-style: chr13-32912243-A-C.
Other names: c.3751A>C, p.Thr1251Pro (NM_001406719.1, NM_001406720.1); c.1909+4719A>C (NM_001406721.1); c.425-6452A>C (NM_001406722.1); short protein forms T1251P.
Identifiers: ClinVar variation 2851948 (VCV002851948.3), dbSNP rs2137499657, ClinGen allele CA387778183.

ClinVar aggregate classification (germline): Uncertain significance (1 of 4 stars; one submission).

Conditions:
Hereditary breast ovarian cancer syndrome. Also called: Hereditary breast and ovarian cancer syndrome (HBOC); Hereditary breast and ovarian cancer syndrome; Breast and ovarian cancer; BRCA1- and BRCA2-Associated Hereditary Breast and Ovarian Cancer; Hereditary breast and ovarian cancer; Hereditary breast and/or ovarian cancer syndrome. Identifiers: Orphanet 145, MedGen C0677776, MeSH D061325, MONDO:0003582. Disease mechanism: loss of function.

Submission:

Labcorp Genetics (formerly Invitae), Labcorp
Classification: Uncertain significance for Hereditary breast ovarian cancer syndrome. Last evaluated: 2025-07-07. Review status: criteria provided, single submitter. Criteria: Invitae Variant Classification Sherloc (09022015). Collection method: clinical testing. Allele origin: germline.
Comment: This sequence change replaces threonine, which is neutral and polar, with proline, which is neutral and non-polar, at codon 1251 of the BRCA2 protein (p.Thr1251Pro). This variant is not present in population databases (gnomAD no frequency). This variant has not been reported in the literature in individuals affected with BRCA2-related conditions. ClinVar contains an entry for this variant (Variation ID: 2851948). Invitae Evidence Modeling of protein sequence and biophysical properties (such as structural, functional, and spatial information, amino acid conservation, physicochemical variation, residue mobility, and thermodynamic stability) indicates that this missense variant is not expected to disrupt BRCA2 protein function with a negative predictive value of 95%. In summary, the available evidence is currently insufficient to determine the role of this variant in disease. Therefore, it has been classified as a Variant of Uncertain Significance.